The following is an entry in ClinVar:

NM_002878.4(RAD51D):c.128G>C (p.Cys43Ser)

Genes: RAD51L3-RFFL (RAD51L3-RFFL readthrough; minus strand), RAD51D (RAD51 paralog D; minus strand). Cytogenetic location: 17q12.
Variant type: single nucleotide variant.
Coding change: c.128G>C on transcript NM_002878.4 (MANE Select); coding-DNA position 128, G replaced by C.
Protein change: p.Cys43Ser; replaces cysteine 43 with serine.
Molecular consequence: missense variant. On other transcripts: non-coding transcript variant (2).
Genome position (GRCh38, 1-based): chr17:35,119,127, C>G on the plus strand (G>C on the coding strand, the complement: RAD51D is on the minus strand). VCF-style: chr17-35119127-C-G. GRCh37 (hg19) VCF-style: chr17-33446146-C-G.
Other names: c.128G>C, p.Cys43Ser (NM_001142571.2, NM_133629.3); short protein forms C43S.
Identifiers: ClinVar variation 2448045 (VCV002448045.6), dbSNP rs2091788178, ClinGen allele CA399091813.
Genomic context (GRCh38, chr17:35,119,127, plus strand): 5'-TTAAAAAGACACTCAGGTTTGGAATGTGGAGATCAGGAGCTCACCTTGTAAGACAAGCCA[C>G]ATTTCTGAGCTACCTCTTCCAGGTCTGCAGAAACCAGGTCCACCACTGAAAACAAAACAC-3'
Protein context (NP_002869.3, residues 33-53): SADLEEVAQK[Cys43Ser]GLSYKALVAL

ClinVar aggregate classification (germline): Uncertain significance. Review status: criteria provided, multiple submitters, no conflicts (2 of 4 stars). 3 submissions from 3 submitters: Uncertain significance (3). Last evaluated 2024-07-29.

Conditions:
Hereditary cancer-predisposing syndrome. Also called: Neoplastic Syndromes, Hereditary; Hereditary Cancer Syndrome; Tumor predisposition; Hereditary neoplastic syndrome. Identifiers: Orphanet 140162, MedGen C0027672, MeSH D009386, MONDO:0015356.
Breast-ovarian cancer, familial, susceptibility to, 4. Identifiers: Orphanet 145, MedGen C3280345, MONDO:0013669, OMIM 614291.

Allele frequency attached by ClinVar (database versions not stated): TOPMed below 0.00001.

Submissions (3):

Labcorp Genetics (formerly Invitae), Labcorp
Classification: Uncertain significance for Breast-ovarian cancer, familial, susceptibility to, 4. Last evaluated: 2024-07-29. Review status: criteria provided, single submitter. Criteria: Invitae Variant Classification Sherloc (09022015). Collection method: clinical testing. Allele origin: germline.
Comment: This sequence change replaces cysteine, which is neutral and slightly polar, with serine, which is neutral and polar, at codon 43 of the RAD51D protein (p.Cys43Ser). This variant is not present in population databases (gnomAD no frequency). This variant has not been reported in the literature in individuals affected with RAD51D-related conditions. ClinVar contains an entry for this variant (Variation ID: 2448045). An algorithm developed to predict the effect of missense changes on protein structure and function (PolyPhen-2) suggests that this variant is likely to be tolerated. In summary, the available evidence is currently insufficient to determine the role of this variant in disease. Therefore, it has been classified as a Variant of Uncertain Significance.

Color Diagnostics, LLC DBA Color Health
Classification: Uncertain significance for Hereditary cancer-predisposing syndrome. Last evaluated: 2024-05-03. Review status: criteria provided, single submitter. Criteria: ACMG Guidelines, 2015. Collection method: clinical testing. Allele origin: germline.
Comment: This missense variant replaces cysteine with serine at codon 43 of the RAD51D protein. Computational prediction suggests that this variant may not impact protein structure and function. To our knowledge, functional studies have not been reported for this variant. This variant has not been reported in individuals affected with RAD51D-related disorders in the literature. This variant has not been identified in the general population by the Genome Aggregation Database (gnomAD). The available evidence is insufficient to determine the role of this variant in disease conclusively. Therefore, this variant is classified as a Variant of Uncertain Significance.

Ambry Genetics
Classification: Uncertain significance for Hereditary cancer-predisposing syndrome. Last evaluated: 2022-12-18. Review status: criteria provided, single submitter. Criteria: Ambry Variant Classification Scheme 2023. Collection method: clinical testing. Allele origin: germline.
Comment: The p.C43S variant (also known as c.128G>C), located in coding exon 2 of the RAD51D gene, results from a G to C substitution at nucleotide position 128. The cysteine at codon 43 is replaced by serine, an amino acid with dissimilar properties. This amino acid position is conserved. In addition, the in silico prediction for this alteration is inconclusive. Since supporting evidence is limited at this time, the clinical significance of this alteration remains unclear.